The following is an entry in ClinVar:

ClinVar aggregate classification (germline): Likely benign (1 of 4 stars; one submission).

Submission:

GeneDx
Classification: Likely benign. Last evaluated: 2017-08-30. Review status: criteria provided, single submitter. Criteria: GeneDx Variant Classification (06012015). Collection method: clinical testing. Allele origin: germline. Affected: yes.
Comment: This variant is considered likely benign or benign based on one or more of the following criteria: it is a conservative change, it occurs at a poorly conserved position in the protein, it is predicted to be benign by multiple in silico algorithms, and/or has population frequency not consistent with disease.

NM_007103.4(NDUFV1):c.73-19T>G

Gene: NDUFV1 (NADH:ubiquinone oxidoreductase core subunit V1; plus strand). Cytogenetic location: 11q13.2.
Variant type: single nucleotide variant.
Coding change: c.73-19T>G on transcript NM_007103.4 (MANE Select); 19 bases into the intron before coding-DNA position 73, T replaced by G.
Molecular consequence: intron variant.
Genome position (GRCh38, 1-based): chr11:67,608,377, T>G. VCF-style: chr11-67608377-T-G. GRCh37 (hg19) VCF-style: chr11-67375848-T-G.
Other names: c.46-19T>G (NM_001166102.2).
Identifiers: ClinVar variation 511825 (VCV000511825.1), dbSNP rs202062530, ClinGen allele CA658797691.